The following is an entry in ClinVar:

ClinVar aggregate classification (germline): Uncertain significance (0 of 4 stars; one submission).

Conditions:
ADCY3-related disorder. Also called: ADCY3-related condition.

gnomAD v4.1: 40 of 1,613,472 alleles (0.0025%); highest among the groups gnomAD compares: African/African-American, 0.019%; no homozygotes.

Submission:

PreventionGenetics, part of Exact Sciences
Classification: Uncertain significance for ADCY3-related condition. Last evaluated: 2024-09-13. Review status: no assertion criteria provided. Collection method: clinical testing. Allele origin: germline.
Comment: The ADCY3 c.2054G>A variant is predicted to result in the amino acid substitution p.Arg685Gln. To our knowledge, this variant has not been reported in the literature. This variant is reported in 0.020% of alleles in individuals of African descent in gnomAD. At this time, the clinical significance of this variant is uncertain due to the absence of conclusive functional and genetic evidence.

NM_004036.5(ADCY3):c.2054G>A (p.Arg685Gln)

Gene: ADCY3 (adenylate cyclase 3; minus strand). Cytogenetic location: 2p23.3.
Variant type: single nucleotide variant.
Coding change: c.2054G>A on transcript NM_004036.5 (MANE Select); coding-DNA position 2054, G replaced by A.
Protein change: p.Arg685Gln; replaces arginine 685 with glutamine.
Molecular consequence: missense variant.
Genome position (GRCh38, 1-based): chr2:24,831,663, C>T on the plus strand (G>A on the coding strand, the complement: ADCY3 is on the minus strand). VCF-style: chr2-24831663-C-T. GRCh37 (hg19) VCF-style: chr2-25054532-C-T.
Other names: c.2054G>A, p.Arg685Gln (NM_001320613.2, NM_001377129.1, NM_001377130.1 and 1 more transcripts); c.2120G>A, p.Arg707Gln (NM_001377128.1); c.1331G>A, p.Arg444Gln (NM_001377131.1); short protein forms R444Q, R685Q, R707Q.
Identifiers: ClinVar variation 3352288 (VCV003352288.1).
Genomic context (GRCh38, chr2:24,831,663, plus strand): 5'-TACAGGGAGTGCCACTCACTTCCAGAGGCTTCTGAGCTCAGTAGAAAAGTGCCTCTTACC[C>T]GGGGAAAGATGGCAGCCAGGGAGCAGATGGTCAGGATGAGGAGCAGAATCTCCCCCACCA-3'
Protein context (NP_004027.2, residues 675-695): TICSLAAIFP[Arg685Gln]AFPKKLVAFS